The following is an entry in ClinVar:

NM_001005273.3(CHD3):c.3781G>T (p.Ala1261Ser)

Gene: CHD3 (chromodomain helicase DNA binding protein 3; plus strand). Cytogenetic location: 17p13.1.
Variant type: single nucleotide variant.
Coding change: c.3781G>T on transcript NM_001005273.3 (MANE Select); coding-DNA position 3781, G replaced by T.
Protein change: p.Ala1261Ser; replaces alanine 1261 with serine.
Molecular consequence: missense variant.
Genome position (GRCh38, 1-based): chr17:7,903,878, G>T. VCF-style: chr17-7903878-G-T. GRCh37 (hg19) VCF-style: chr17-7807196-G-T.
Other names: c.3958G>T, p.Ala1320Ser (NM_001005271.3); c.3781G>T, p.Ala1261Ser (NM_005852.4); short protein forms A1261S, A1320S.
Identifiers: ClinVar variation 3368135 (VCV003368135.1).

ClinVar aggregate classification (germline): Uncertain significance (1 of 4 stars; one submission).

gnomAD v4.1: 2 of 1,614,148 alleles (0.00012%); highest among the groups gnomAD compares: South Asian, 0.0011%; no homozygotes.

Submission:

GeneDx
Classification: Uncertain significance. Last evaluated: 2024-01-18. Review status: criteria provided, single submitter. Criteria: GeneDx Variant Classification Process June 2021. Collection method: clinical testing. Allele origin: germline. Affected: yes.
Comment: Not observed at significant frequency in large population cohorts (gnomAD); In silico analysis supports that this missense variant does not alter protein structure/function; Has not been previously published as pathogenic or benign to our knowledge